The following is an entry in ClinVar:

ClinVar aggregate classification (germline): Likely benign. Review status: criteria provided, multiple submitters, no conflicts (2 of 4 stars). 3 submissions from 3 submitters: Likely benign (3). Last evaluated 2025-05-01.

Conditions:
Amelocerebrohypohidrotic syndrome (KTZS). Also called: Kohlschutter's syndrome; EPILEPSY AND YELLOW TEETH; EPILEPSY, DEMENTIA, AND AMELOGENESIS IMPERFECTA; KOHLSCHUTTER SYNDROME. Identifiers: Orphanet 1946, MedGen C0406740, MONDO:0009185, OMIM 226750.

Allele frequency attached by ClinVar (database versions not stated): TOPMed 0.00003; ExAC 0.00005; gnomAD 0.00006 and 0.00008; 1000 Genomes Project 30x 0.00031; ESP Exome Variant Server 0.00031; 1000 Genomes Project 0.00040.
gnomAD v4.1: 88 of 1,605,760 alleles (0.0055%); highest among the groups gnomAD compares: Middle Eastern, 0.066%; no homozygotes.

Submissions (3):

Labcorp Genetics (formerly Invitae), Labcorp
Classification: Likely benign for Amelocerebrohypohidrotic syndrome. Last evaluated: 2025-05-01. Review status: criteria provided, single submitter. Criteria: Invitae Variant Classification Sherloc (09022015). Collection method: clinical testing. Allele origin: germline.

Blueprint Genetics
Classification: Likely benign. Last evaluated: 2024-07-11. Review status: criteria provided, single submitter. Criteria: ACMG Guidelines, 2015. Collection method: clinical testing. Allele origin: germline.

CeGaT Center for Human Genetics Tuebingen
Classification: Likely benign. Last evaluated: 2024-07-01. Review status: criteria provided, single submitter. Criteria: CeGaT Center For Human Genetics Tuebingen Variant Classification Criteria Version 2. Collection method: clinical testing. Allele origin: germline. Affected: yes. Observed: 3 variant alleles.
Comment: ROGDI: BP4, BP7

NM_024589.3(ROGDI):c.669G>A (p.Ala223=)

Gene: ROGDI (rogdi atypical leucine zipper; minus strand). Cytogenetic location: 16p13.3.
Variant type: single nucleotide variant.
Coding change: c.669G>A on transcript NM_024589.3 (MANE Select); coding-DNA position 669, G replaced by A.
Protein change: p.Ala223=; no amino-acid change (alanine 223 retained).
Molecular consequence: synonymous variant. On other transcripts: non-coding transcript variant (1).
Genome position (GRCh38, 1-based): chr16:4,797,964, C>T on the plus strand (G>A on the coding strand, the complement: ROGDI is on the minus strand). VCF-style: chr16-4797964-C-T. GRCh37 (hg19) VCF-style: chr16-4847965-C-T.
Identifiers: ClinVar variation 728037 (VCV000728037.44), dbSNP rs143402543, ClinGen allele CA7882558.
Genomic context (GRCh38, chr16:4,797,964, plus strand): 5'-GGCGTGCCTGGACCCCCCGCCCCTGCCTACTTACAACATGGCCCCAGGGCTATGCAGCAC[C>T]GCGCCCCCAGCTGGGCGGAAGTTCTAGGGAGAACAGCACCAGACCCGTCAGGCCTTGCAG-3'
Protein context (NP_078865.1, residues 213-233): STKNFRPAGG[Ala223=]VLHSPGAMFE